The following is an entry in ClinVar:

NM_001077653.2(TBX20):c.491A>C (p.Tyr164Ser)

Gene: TBX20 (T-box transcription factor 20; minus strand). Cytogenetic location: 7p14.2.
Variant type: single nucleotide variant.
Coding change: c.491A>C on transcript NM_001077653.2 (MANE Select); coding-DNA position 491, A replaced by C.
Protein change: p.Tyr164Ser; replaces tyrosine 164 with serine.
Molecular consequence: missense variant.
Genome position (GRCh38, 1-based): chr7:35,248,731, T>G on the plus strand (A>C on the coding strand, the complement: TBX20 is on the minus strand). VCF-style: chr7-35248731-T-G. GRCh37 (hg19) VCF-style: chr7-35288343-T-G.
Other names: c.491A>C, p.Tyr164Ser (NM_001166220.1); short protein forms Y164S.
Identifiers: ClinVar variation 1394833 (VCV001394833.6), dbSNP rs2128715938, ClinGen allele CA367264625.

ClinVar aggregate classification (germline): Uncertain significance (1 of 4 stars; one submission).

Submission:

Labcorp Genetics (formerly Invitae), Labcorp
Classification: Uncertain significance. Last evaluated: 2024-02-24. Review status: criteria provided, single submitter. Criteria: Invitae Variant Classification Sherloc (09022015). Collection method: clinical testing. Allele origin: germline.
Comment: This sequence change replaces tyrosine, which is neutral and polar, with serine, which is neutral and polar, at codon 164 of the TBX20 protein (p.Tyr164Ser). This variant is not present in population databases (gnomAD no frequency). This variant has not been reported in the literature in individuals affected with TBX20-related conditions. ClinVar contains an entry for this variant (Variation ID: 1394833). An algorithm developed to predict the effect of missense changes on protein structure and function (PolyPhen-2) suggests that this variant is likely to be disruptive. In summary, the available evidence is currently insufficient to determine the role of this variant in disease. Therefore, it has been classified as a Variant of Uncertain Significance.